The following is an entry in ClinVar:

ClinVar aggregate classification (germline): Uncertain significance (1 of 4 stars; one submission).

Submission:

Labcorp Genetics (formerly Invitae), Labcorp
Classification: Uncertain significance. Last evaluated: 2022-08-19. Review status: criteria provided, single submitter. Criteria: Invitae Variant Classification Sherloc (09022015). Collection method: clinical testing. Allele origin: germline.
Comment: This sequence change replaces tryptophan, which is neutral and slightly polar, with serine, which is neutral and polar, at codon 147 of the C8orf37 protein (p.Trp147Ser). This variant is not present in population databases (gnomAD no frequency). This variant has not been reported in the literature in individuals affected with C8orf37-related conditions. Algorithms developed to predict the effect of missense changes on protein structure and function are either unavailable or do not agree on the potential impact of this missense change (SIFT: "Deleterious"; PolyPhen-2: "Probably Damaging"; Align-GVGD: "Class C0"). In summary, the available evidence is currently insufficient to determine the role of this variant in disease. Therefore, it has been classified as a Variant of Uncertain Significance.

NM_177965.4(CFAP418):c.440G>C (p.Trp147Ser)

Gene: CFAP418 (cilia and flagella associated protein 418; minus strand). Cytogenetic location: 8q22.1.
Variant type: single nucleotide variant.
Coding change: c.440G>C on transcript NM_177965.4 (MANE Select); coding-DNA position 440, G replaced by C.
Protein change: p.Trp147Ser; replaces tryptophan 147 with serine.
Molecular consequence: missense variant. On other transcripts: intron variant (1).
Genome position (GRCh38, 1-based): chr8:95,252,218, C>G on the plus strand (G>C on the coding strand, the complement: CFAP418 is on the minus strand). VCF-style: chr8-95252218-C-G. GRCh37 (hg19) VCF-style: chr8-96264446-C-G.
Other names: c.375-4448G>C (NM_001363260.1); short protein forms W147S.
Identifiers: ClinVar variation 2024855 (VCV002024855.4), dbSNP rs2537139887, ClinGen allele CA371838497.